The following is an entry in ClinVar:

NM_000112.4(SLC26A2):c.*4391G>T

Gene: SLC26A2 (solute carrier family 26 member 2; plus strand). Cytogenetic location: 5q32.
Variant type: single nucleotide variant.
Coding change: c.*4391G>T on transcript NM_000112.4 (MANE Select); 4391 bases downstream of the stop codon, G replaced by T.
Molecular consequence: 3 prime UTR variant.
Genome position (GRCh38, 1-based): chr5:149,986,204, G>T. VCF-style: chr5-149986204-G-T. GRCh37 (hg19) VCF-style: chr5-149365767-G-T.
Identifiers: ClinVar variation 352084 (VCV000352084.13), dbSNP rs150508217, ClinGen allele CA10623526.
Genomic context (GRCh38, chr5:149,986,204, plus strand): 5'-GAGTGGTGTTGAGAGTGAAGTTTCACTAGCAGGGAAGTTTCCTTGAGCCTAAAATAAAAA[G>T]AAAAAATTAAAAAGAATCAGTTTTTTTAATTAAAAAAATAGAAAGCTGTTAGGCTCCTAA-3'

ClinVar aggregate classification (germline): Benign/Likely benign. Review status: criteria provided, multiple submitters, no conflicts (2 of 4 stars). 7 submissions from 3 submitters: Benign (2); Likely benign (5). Last evaluated 2021-09-10.

Conditions:
Achondrogenesis, type IB (ACG1B). Also called: Achondrogenesis Type 1B. Identifiers: Orphanet 932, Orphanet 93298, MedGen C0265274, MONDO:0010966, OMIM 600972.
Sulfate transporter-related osteochondrodysplasia. Also called: DTDST-related dysplasias. Identifiers: MedGen CN120497. Disease mechanism: loss of function.
Atelosteogenesis type II (AO2). Also called: NEONATAL OSSEOUS DYSPLASIA I; Neonatal osseous dysplasia 1; SLC26A2-Related Atelosteogenesis. Identifiers: Orphanet 56304, MedGen C1850554, MONDO:0009727, OMIM 256050.
Multiple epiphyseal dysplasia type 4 (EDM4). Also called: MULTIPLE EPIPHYSEAL DYSPLASIA WITH BILAYERED PATELLAE; MULTIPLE EPIPHYSEAL DYSPLASIA WITH CLUBFOOT; MULTIPLE EPIPHYSEAL DYSPLASIA, AUTOSOMAL RECESSIVE; SLC26A2-Related Multiple Epiphyseal Dysplasia; Multiple Epiphyseal Dysplasia, Recessive. Identifiers: Orphanet 93307, MedGen C1847593, MONDO:0009189, OMIM 226900.
Diastrophic dysplasia (DTD). Also called: Diastrophic dwarfism. Identifiers: Orphanet 628, MedGen C0220726, MONDO:0009107, OMIM 222600.

Allele frequency attached by ClinVar (database versions not stated): 1000 Genomes Project 30x 0.00687; 1000 Genomes Project 0.00699; TOPMed 0.01249; gnomAD 0.01486 and 0.01531.

Submissions (7):

ARUP Laboratories, Molecular Genetics and Genomics, ARUP Laboratories
Classification: Likely benign. Last evaluated: 2021-09-10. Review status: criteria provided, single submitter. Criteria: ARUP Molecular Germline Variant Investigation Process 2021. Collection method: clinical testing. Allele origin: germline.

GeneDx
Classification: Likely benign. Last evaluated: 2021-05-19. Review status: criteria provided, single submitter. Criteria: GeneDx Variant Classification Process June 2021. Collection method: clinical testing. Allele origin: germline. Affected: yes.

Illumina Laboratory Services, Illumina
Classification: Likely benign for Multiple epiphyseal dysplasia type 4. Last evaluated: 2018-01-12. Review status: criteria provided, single submitter. Criteria: ICSL Variant Classification Criteria 13 December 2019. Collection method: clinical testing. Allele origin: germline.
Comment: This variant was observed in the ICSL laboratory as part of a predisposition screen in an ostensibly healthy population. It had not been previously curated by ICSL or reported in the Human Gene Mutation Database (HGMD: prior to June 1st, 2018), and was therefore a candidate for classification through an automated scoring system. Utilizing variant allele frequency, disease prevalence and penetrance estimates, and inheritance mode, an automated score was calculated to assess if this variant is too frequent to cause the disease. Based on the score and internal cut-off values, a variant classified as likely benign is not then subjected to further curation. The score for this variant resulted in a classification of likely benign for this disease.

Illumina Laboratory Services, Illumina
Classification: Likely benign for Osteochondrodysplasia. Last evaluated: 2018-01-12. Review status: criteria provided, single submitter. Criteria: ICSL Variant Classification Criteria 13 December 2019. Collection method: clinical testing. Allele origin: germline.
Comment: the same text as in the submission from Illumina Laboratory Services, Illumina above.

Illumina Laboratory Services, Illumina
Classification: Likely benign for Diastrophic dysplasia. Last evaluated: 2018-01-12. Review status: criteria provided, single submitter. Criteria: ICSL Variant Classification Criteria 13 December 2019. Collection method: clinical testing. Allele origin: germline.
Comment: the same text as in the submission from Illumina Laboratory Services, Illumina above.

Illumina Laboratory Services, Illumina
Classification: Benign for Achondrogenesis, type IB. Last evaluated: 2018-01-12. Review status: criteria provided, single submitter. Criteria: ICSL Variant Classification Criteria 13 December 2019. Collection method: clinical testing. Allele origin: germline.
Comment: This variant was observed in the ICSL laboratory as part of a predisposition screen in an ostensibly healthy population. It had not been previously curated by ICSL or reported in the Human Gene Mutation Database (HGMD: prior to June 1st, 2018), and was therefore a candidate for classification through an automated scoring system. Utilizing variant allele frequency, disease prevalence and penetrance estimates, and inheritance mode, an automated score was calculated to assess if this variant is too frequent to cause the disease. Based on the score and internal cut-off values, a variant classified as benign is not then subjected to further curation. The score for this variant resulted in a classification of benign for this disease.

Illumina Laboratory Services, Illumina
Classification: Benign for Atelosteogenesis type II. Last evaluated: 2018-01-12. Review status: criteria provided, single submitter. Criteria: ICSL Variant Classification Criteria 13 December 2019. Collection method: clinical testing. Allele origin: germline.
Comment: the same text as in the submission from Illumina Laboratory Services, Illumina above.